The following is an entry in ClinVar:

ClinVar aggregate classification (germline): Pathogenic. Review status: criteria provided, multiple submitters, no conflicts (2 of 4 stars). 2 submissions from 2 submitters: Pathogenic (2). Last evaluated 2025-08-26.

Conditions:
Nephronophthisis. Also called: Juvenile Nephronophthisis. Identifiers: Orphanet 655, MedGen C0687120, MONDO:0019005, HP:0000090.
Joubert syndrome with renal defect. Also called: JOUBERT SYNDROME 4. Identifiers: Orphanet 220497, MedGen C1846790, MONDO:0012308, OMIM 609583.

Submissions (2):

Labcorp Genetics (formerly Invitae), Labcorp
Classification: Pathogenic for Nephronophthisis. Last evaluated: 2025-08-26. Review status: criteria provided, single submitter. Criteria: Invitae Variant Classification Sherloc (09022015). Collection method: clinical testing. Allele origin: germline.
Comment: This sequence change creates a premature translational stop signal (p.Lys433Serfs*55) in the NPHP1 gene. It is expected to result in an absent or disrupted protein product. Loss-of-function variants in NPHP1 are known to be pathogenic (PMID: 23559409). This variant is present in population databases (rs772720024, gnomAD 0.006%). This premature translational stop signal has been observed in individual(s) with clinical features of nephronophthisis (PMID: 23559409, 32173348). In at least one individual the data is consistent with being in trans (on the opposite chromosome) from a pathogenic variant. ClinVar contains an entry for this variant (Variation ID: 1444725). For these reasons, this variant has been classified as Pathogenic.

Baylor Genetics
Classification: Pathogenic for Joubert syndrome with renal defect. Last evaluated: 2023-11-29. Review status: criteria provided, single submitter. Criteria: ACMG Guidelines, 2015. Collection method: clinical testing. Allele origin: unknown.

Literature cited by the submitters: PubMed 23559409 (cited by Labcorp Genetics (formerly Invitae), Labcorp); PubMed 32173348 (cited by Labcorp Genetics (formerly Invitae), Labcorp).

NM_001128178.3(NPHP1):c.1130del (p.Lys377fs)

Genes: NPHP1 (nephrocystin 1; minus strand), LOC126806306 (P300/CBP strongly-dependent group 1 enhancer GRCh37_chr2:110906815-110908014; plus strand). Cytogenetic location: 2q13.
Variant type: Deletion.
Coding change: c.1130del on transcript NM_001128178.3 (MANE Select); coding-DNA position 1130, one base deleted (A; older notation c.1130delA).
Protein change: p.Lys377fs; shifts the reading frame from lysine 377.
Molecular consequence: frameshift variant.
Genome position (GRCh38, 1-based): chr2:110,150,210, T deleted on the plus strand (A on the coding strand, the reverse complement: NPHP1 is on the minus strand); the first of 5 consecutive T bases (chr2:110,150,210-110,150,214); deleting any one gives the same sequence. VCF-style (leftmost placement, unchanged base first): chr2-110150209-CT-C. GRCh37 (hg19) VCF-style: chr2-110907786-CT-C.
Other names: c.1298del, p.Lys433fs (NM_000272.5); c.941del, p.Lys314fs (NM_001128179.3); c.1127del, p.Lys376fs (NM_001374256.1); c.1130del, p.Lys377fs (NM_001374257.1); c.1295del, p.Lys432fs (NM_207181.4); short protein forms K377fs, K432fs, K376fs, K314fs, K433fs.
Identifiers: ClinVar variation 1444725 (VCV001444725.9), dbSNP rs772720024, ClinGen allele CA1827121.
Genomic context (GRCh38, chr2:110,150,209, plus strand): 5'-TCACTCACTCCACTCATTCAGCAGATTACTTACCTGGGGAGAAAAGGTCCATGTTTTGGG[CT>C]TTTTAGGTTGCCATGTGGCTCTGACTGTATGAATGTTGCTCAGAACCTGAAATGAGATTT-3'